The following is an entry in ClinVar:

NM_024896.3(ERMP1):c.1721A>G (p.His574Arg)

Gene: ERMP1 (endoplasmic reticulum metallopeptidase 1; minus strand). Cytogenetic location: 9p24.1.
Variant type: single nucleotide variant.
Coding change: c.1721A>G on transcript NM_024896.3 (MANE Select); coding-DNA position 1721, A replaced by G.
Protein change: p.His574Arg; replaces histidine 574 with arginine.
Molecular consequence: missense variant.
Genome position (GRCh38, 1-based): chr9:5,805,613, T>C on the plus strand (A>G on the coding strand, the complement: ERMP1 is on the minus strand). VCF-style: chr9-5805613-T-C. GRCh37 (hg19) VCF-style: chr9-5805613-T-C.
Other names: short protein forms H574R.
Identifiers: ClinVar variation 2321073 (VCV002321073.4), dbSNP rs1828839492, ClinGen allele CA372859846.

ClinVar aggregate classification (germline): Uncertain significance. Review status: criteria provided, single submitter (1 of 4 stars). 2 submissions from 2 submitters: Uncertain significance (1). 1 of the submissions does not count toward it. Last evaluated 2022-10-27.

Conditions:
Autism (AUTS). Also called: Autistic disorder; Autistic disorder of childhood onset. Identifiers: MedGen C0004352, MeSH D001321, MONDO:0005260, OMIM 209850, HP:0000717.

Allele frequency attached by ClinVar (database versions not stated): TOPMed below 0.00001; gnomAD 0.00001; gnomAD exomes 0.00001.
gnomAD v4.1: 16 of 1,573,782 alleles (0.001%); highest among the groups gnomAD compares: Middle Eastern, 0.017%; no homozygotes.

Submissions (2):

Ambry Genetics
Classification: Uncertain significance. Last evaluated: 2022-10-27. Review status: criteria provided, single submitter. Criteria: Ambry Variant Classification Scheme 2023. Collection method: clinical testing. Allele origin: germline.

Centre for Addiction & Mental Health
Classification: Uncertain significance for Autism. Review status: no assertion criteria provided. Collection method: research. Allele origin: biparental. Affected: yes. Observed: 1 homozygote. Segregation with disease observed. Not counted in ClinVar's aggregate classification.
Comment: Gene not previously associated with disease; independent supporting evidence needed